The following is an entry in ClinVar:

ClinVar aggregate classification (germline): Uncertain significance (1 of 4 stars; one submission).

Conditions:
Tyrosinemia type I (TYRSN1). Also called: Deficiency of fumarylacetoacetase; FAH DEFICIENCY; Tyrosinemia type 1; Fumarylacetoacetase deficiency; HEPATORENAL TYROSINEMIA. Identifiers: Orphanet 882, MedGen C0268490, MONDO:0010161, OMIM 276700. Disease mechanism: loss of function.

Submission:

Labcorp Genetics (formerly Invitae), Labcorp
Classification: Uncertain significance for Tyrosinemia type I. Last evaluated: 2022-05-29. Review status: criteria provided, single submitter. Criteria: Invitae Variant Classification Sherloc (09022015). Collection method: clinical testing. Allele origin: germline.
Comment: This sequence change falls in intron 9 of the FAH gene. It does not directly change the encoded amino acid sequence of the FAH protein. It affects a nucleotide within the consensus splice site. This variant is not present in population databases (gnomAD no frequency). This variant has not been reported in the literature in individuals affected with FAH-related conditions. Variants that disrupt the consensus splice site are a relatively common cause of aberrant splicing (PMID: 17576681, 9536098). Algorithms developed to predict the effect of sequence changes on RNA splicing suggest that this variant is not likely to affect RNA splicing. In summary, the available evidence is currently insufficient to determine the role of this variant in disease. Therefore, it has been classified as a Variant of Uncertain Significance.

Literature cited by the submitters: PubMed 17576681; PubMed 9536098.

NM_000137.4(FAH):c.837+5G>A

Gene: FAH (fumarylacetoacetate hydrolase; plus strand). Cytogenetic location: 15q25.1.
Variant type: single nucleotide variant.
Coding change: c.837+5G>A on transcript NM_000137.4 (MANE Select); 5 bases into the intron after coding-DNA position 837, G replaced by A.
Molecular consequence: intron variant.
Genome position (GRCh38, 1-based): chr15:80,173,149, G>A. VCF-style: chr15-80173149-G-A. GRCh37 (hg19) VCF-style: chr15-80465491-G-A.
Other names: c.837+5G>A (NM_001374377.1, NM_001374380.1).
Identifiers: ClinVar variation 1951179 (VCV001951179.2), dbSNP rs2041255798, ClinGen allele CA2580090064.
Genomic context (GRCh38, chr15:80,173,149, plus strand): 5'-CGTGGGTGGTGCCCATGGATGCTCTCATGCCCTTTGCTGTGCCCAACCCGAAGCAGGTAA[G>A]CACATTCTCTGCAGGAAGCTCCCAAACCCAGCCCTGCTGCCTCTGAGGCTGCTTGCCCAC-3'